The following is an entry in ClinVar:

ClinVar aggregate classification (germline): Uncertain significance (1 of 4 stars; one submission).

Conditions:
Severe combined immunodeficiency due to DNA-PKcs deficiency. Also called: IMMUNODEFICIENCY 26 WITH NEUROLOGIC ABNORMALITIES; Immunodeficiency 26 with or without neurologic abnormalities. Identifiers: Orphanet 317425, MedGen C4014833, MONDO:0014423, OMIM 615966.

Allele frequency attached by ClinVar (database versions not stated): TOPMed below 0.00001; ExAC 0.00001; gnomAD exomes 0.00001.
gnomAD v4.1: 12 of 1,612,680 alleles (0.00074%); highest among the groups gnomAD compares: Non-Finnish European, 0.001%; no homozygotes.

Submission:

Labcorp Genetics (formerly Invitae), Labcorp
Classification: Uncertain significance for Severe combined immunodeficiency due to DNA-PKcs deficiency. Last evaluated: 2022-06-26. Review status: criteria provided, single submitter. Criteria: Invitae Variant Classification Sherloc (09022015). Collection method: clinical testing. Allele origin: germline.
Comment: In summary, the available evidence is currently insufficient to determine the role of this variant in disease. Therefore, it has been classified as a Variant of Uncertain Significance. Experimental studies and prediction algorithms are not available or were not evaluated, and the functional significance of this variant is currently unknown. This variant has not been reported in the literature in individuals affected with PRKDC-related conditions. This variant is present in population databases (rs776213869, gnomAD 0.0009%). This sequence change replaces glycine, which is neutral and non-polar, with arginine, which is basic and polar, at codon 952 of the PRKDC protein (p.Gly952Arg).

NM_006904.7(PRKDC):c.2854G>A (p.Gly952Arg)

Gene: PRKDC (protein kinase, DNA-activated, catalytic subunit; minus strand). Cytogenetic location: 8q11.21.
Variant type: single nucleotide variant.
Coding change: c.2854G>A on transcript NM_006904.7 (MANE Select); coding-DNA position 2854, G replaced by A.
Protein change: p.Gly952Arg; replaces glycine 952 with arginine.
Molecular consequence: missense variant.
Genome position (GRCh38, 1-based): chr8:47,912,490, C>T on the plus strand (G>A on the coding strand, the complement: PRKDC is on the minus strand). VCF-style: chr8-47912490-C-T. GRCh37 (hg19) VCF-style: chr8-48825050-C-T.
Other names: c.2854G>A, p.Gly952Arg (NM_001081640.2); short protein forms G952R.
Identifiers: ClinVar variation 2413208 (VCV002413208.6), dbSNP rs776213869, ClinGen allele CA4741350.